The following is an entry in ClinVar:

NM_000381.4(MID1):c.757-5746C>T

Gene: MID1 (midline 1; minus strand). Cytogenetic location: Xp22.2.
Variant type: single nucleotide variant.
Coding change: c.757-5746C>T on transcript NM_000381.4 (MANE Select); 5746 bases into the intron before coding-DNA position 757, C replaced by T.
Molecular consequence: intron variant. On other transcripts: synonymous variant (1).
Genome position (GRCh38, 1-based): chrX:10,501,437, G>A on the plus strand (C>T on the coding strand, the complement: MID1 is on the minus strand). VCF-style: chrX-10501437-G-A. GRCh37 (hg19) VCF-style: chrX-10469477-G-A.
Other names: c.879C>T, p.Arg293= (NM_001193278.1); c.757-5746C>T (NM_033290.4, NM_001098624.2, NM_001347733.2 and 2 more transcripts); c.643-5746C>T (NM_033289.2, NM_001193280.1).
Identifiers: ClinVar variation 2659976 (VCV002659976.25), dbSNP rs775496496, ClinGen allele CA10347628.
Genomic context (GRCh38, chrX:10,501,437, plus strand): 5'-TTTGACCTCACCCATCTGCTCAGCACATACCTTCTCTACATCTAGAGTCAGTTTTCTTTC[G>A]CGTCTTGAAATGCATCTTCTCCCCATCAGTCTTGCCTGTAGGGAGTTGCTGACCCACTTT-3'

ClinVar aggregate classification (germline): Likely benign. Review status: criteria provided, multiple submitters, no conflicts (2 of 4 stars). 2 submissions from 2 submitters: Likely benign (2). Last evaluated 2026-07-01.

Allele frequency attached by ClinVar (database versions not stated): gnomAD 0.00018; gnomAD exomes 0.00018; TOPMed 0.00020; ExAC 0.00049.
gnomAD v4.1: 210 of 1,153,106 alleles (0.018%); highest among the groups gnomAD compares: Middle Eastern, 0.12%; 2 homozygotes.

Submissions (2):

CeGaT Center for Human Genetics Tuebingen
Classification: Likely benign. Last evaluated: 2026-07-01. Review status: criteria provided, single submitter. Criteria: CeGaT Center For Human Genetics Tuebingen Variant Classification Criteria Version 2. Collection method: clinical testing. Allele origin: germline. Affected: yes. Observed: 5 variant alleles.
Comment: MID1: BS2

Blueprint Genetics
Classification: Likely benign. Last evaluated: 2024-11-22. Review status: criteria provided, single submitter. Criteria: ACMG Guidelines, 2015. Collection method: clinical testing. Allele origin: germline.